The following is an entry in ClinVar:

NM_198407.2(GHSR):c.*1736A>G

Gene: GHSR (growth hormone secretagogue receptor; minus strand). Cytogenetic location: 3q26.31.
Variant type: single nucleotide variant.
Coding change: c.*1736A>G on transcript NM_198407.2 (MANE Select); 1736 bases downstream of the stop codon, A replaced by G.
Molecular consequence: 3 prime UTR variant.
Genome position (GRCh38, 1-based): chr3:172,443,425, T>C on the plus strand (A>G on the coding strand, the complement: GHSR is on the minus strand). VCF-style: chr3-172443425-T-C. GRCh37 (hg19) VCF-style: chr3-172161215-T-C.
Identifiers: ClinVar variation 901804 (VCV000901804.4), dbSNP rs28476722, ClinGen allele CA87780142.

ClinVar aggregate classification (germline): Benign (1 of 4 stars; one submission).

Conditions:
Short stature due to growth hormone secretagogue receptor deficiency (GHDP). Also called: Short stature due to GHSR deficiency. Identifiers: Orphanet 314811, MedGen C5887324, MONDO:0014403, OMIM 615925.

Allele frequency attached by ClinVar (database versions not stated): 1000 Genomes Project 0.00839; gnomAD 0.00898 and 0.00977; 1000 Genomes Project 30x 0.00906; TOPMed 0.01039.
gnomAD v4.1: 1,352 of 152,286 alleles (0.89%); highest among the groups gnomAD compares: African/African-American, 3.1%; 21 homozygotes.

Submission:

Illumina Laboratory Services, Illumina
Classification: Benign for Short stature due to growth hormone secretagogue receptor deficiency. Last evaluated: 2018-01-13. Review status: criteria provided, single submitter. Criteria: ICSL Variant Classification Criteria 13 December 2019. Collection method: clinical testing. Allele origin: germline.
Comment: This variant was observed in the ICSL laboratory as part of a predisposition screen in an ostensibly healthy population. It had not been previously curated by ICSL or reported in the Human Gene Mutation Database (HGMD: prior to June 1st, 2018), and was therefore a candidate for classification through an automated scoring system. Utilizing variant allele frequency, disease prevalence and penetrance estimates, and inheritance mode, an automated score was calculated to assess if this variant is too frequent to cause the disease. Based on the score and internal cut-off values, a variant classified as benign is not then subjected to further curation. The score for this variant resulted in a classification of benign for this disease.